The following is an entry in ClinVar:

ClinVar aggregate classification (germline): Uncertain significance (1 of 4 stars; one submission).

Conditions:
Gorlin syndrome. Also called: Nevoid Basal Cell Carcinoma Syndrome; Basal cell nevus syndrome. Identifiers: Orphanet 377, MedGen C0004779, MONDO:0007187.

Submission:

Labcorp Genetics (formerly Invitae), Labcorp
Classification: Uncertain significance for Gorlin syndrome. Last evaluated: 2022-12-12. Review status: criteria provided, single submitter. Criteria: Invitae Variant Classification Sherloc (09022015). Collection method: clinical testing. Allele origin: germline.
Comment: This variant is not present in population databases (gnomAD no frequency). In summary, the available evidence is currently insufficient to determine the role of this variant in disease. Therefore, it has been classified as a Variant of Uncertain Significance. Advanced modeling of protein sequence and biophysical properties (such as structural, functional, and spatial information, amino acid conservation, physicochemical variation, residue mobility, and thermodynamic stability) performed at Invitae indicates that this missense variant is not expected to disrupt PTCH1 protein function. This variant has not been reported in the literature in individuals affected with PTCH1-related conditions. This sequence change replaces cysteine, which is neutral and slightly polar, with arginine, which is basic and polar, at codon 462 of the PTCH1 protein (p.Cys462Arg).

NM_000264.5(PTCH1):c.1384T>C (p.Cys462Arg)

Gene: PTCH1 (patched 1; minus strand). Cytogenetic location: 9q22.32.
Variant type: single nucleotide variant.
Coding change: c.1384T>C on transcript NM_000264.5 (MANE Select); coding-DNA position 1384, T replaced by C.
Protein change: p.Cys462Arg; replaces cysteine 462 with arginine.
Molecular consequence: missense variant. On other transcripts: non-coding transcript variant (1), intron variant (1).
Genome position (GRCh38, 1-based): chr9:95,477,666, A>G on the plus strand (T>C on the coding strand, the complement: PTCH1 is on the minus strand). VCF-style: chr9-95477666-A-G. GRCh37 (hg19) VCF-style: chr9-98239948-A-G.
Other names: c.1186T>C, p.Cys396Arg (NM_001083602.3); c.1381T>C, p.Cys461Arg (NM_001083603.3); c.931T>C, p.Cys311Arg (NM_001083604.3, NM_001083605.3, NM_001083606.3 and 1 more transcripts); c.1347+389T>C (NM_001354918.2); short protein forms C311R, C461R, C396R, C462R.
Identifiers: ClinVar variation 2840430 (VCV002840430.3), dbSNP rs1588600865, ClinGen allele CA374118609.